The following is an entry in ClinVar:

ClinVar aggregate classification (germline): Likely benign (1 of 4 stars; one submission).

Conditions:
PLEC-related disorder. Also called: PLEC-related condition; PLEC-related disorders.

Submission:

PreventionGenetics, part of Exact Sciences
Classification: Likely benign for PLEC-related condition. Last evaluated: 2026-02-03. Review status: criteria provided, single submitter. Criteria: ACMG Guidelines, 2015. Collection method: clinical testing. Allele origin: germline.
Comment: This variant is classified as likely benign based on ACMG/AMP sequence variant interpretation guidelines (Richards et al. 2015 PMID: 25741868, with internal and published modifications).

NM_201384.3(PLEC):c.2304+10G>T

Gene: PLEC (plectin; minus strand). Cytogenetic location: 8q24.3.
Variant type: single nucleotide variant.
Coding change: c.2304+10G>T on transcript NM_201384.3 (MANE Select); 10 bases into the intron after coding-DNA position 2304, G replaced by T.
Molecular consequence: intron variant.
Genome position (GRCh38, 1-based): chr8:143,931,524, C>A on the plus strand (G>T on the coding strand, the complement: PLEC is on the minus strand). VCF-style: chr8-143931524-C-A. GRCh37 (hg19) VCF-style: chr8-145005692-C-A.
Other names: c.2385+10G>T (NM_001410941.1, NM_000445.5); c.2262+10G>T (NM_201378.4); c.2238+10G>T (NM_201379.3); c.2715+10G>T (NM_201380.4); c.2208+10G>T (NM_201381.3); c.2304+10G>T (NM_201382.4); c.2316+10G>T (NM_201383.3).
Identifiers: ClinVar variation 4987703 (VCV004987703.1).